The following is an entry in ClinVar:

NM_004984.4(KIF5A):c.2553T>C (p.Asn851=)

Gene: KIF5A (kinesin family member 5A; plus strand). Cytogenetic location: 12q13.3.
Variant type: single nucleotide variant.
Coding change: c.2553T>C on transcript NM_004984.4 (MANE Select); coding-DNA position 2553, T replaced by C.
Protein change: p.Asn851=; no amino-acid change (asparagine 851 retained).
Molecular consequence: synonymous variant.
Genome position (GRCh38, 1-based): chr12:57,580,970, T>C. VCF-style: chr12-57580970-T-C. GRCh37 (hg19) VCF-style: chr12-57974753-T-C.
Other names: p.Asn851=; c.2286T>C, p.Asn762= (NM_001354705.2).
Identifiers: ClinVar variation 1605959 (VCV001605959.9), dbSNP rs370062689, ClinGen allele CA6653161.

ClinVar aggregate classification (germline): Likely benign. Review status: criteria provided, multiple submitters, no conflicts (2 of 4 stars). 2 submissions from 2 submitters: Likely benign (2). Last evaluated 2025-02-26.

Conditions:
Spastic paraplegia. Identifiers: MedGen C0037772, HP:0001258.

Allele frequency attached by ClinVar (database versions not stated): gnomAD exomes 0.00001 and 0.00003; ExAC 0.00002; gnomAD 0.00002; TOPMed 0.00002; ESP Exome Variant Server 0.00008.

Submissions (2):

Labcorp Genetics (formerly Invitae), Labcorp
Classification: Likely benign for Spastic paraplegia. Last evaluated: 2025-02-26. Review status: criteria provided, single submitter. Criteria: Invitae Variant Classification Sherloc (09022015). Collection method: clinical testing. Allele origin: germline.

Mayo Clinic Laboratories, Mayo Clinic
Classification: Likely benign. Last evaluated: 2025-01-02. Review status: criteria provided, single submitter. Criteria: ACMG Guidelines, 2015. Collection method: clinical testing. Allele origin: germline. Observed: 1 variant allele.
Comment: BS2, BP4, BP7